The following is an entry in ClinVar:

NM_004369.4(COL6A3):c.1699C>T (p.Gln567Ter)

Gene: COL6A3 (collagen type VI alpha 3 chain; minus strand). Cytogenetic location: 2q37.3.
Variant type: single nucleotide variant.
Coding change: c.1699C>T on transcript NM_004369.4 (MANE Select); coding-DNA position 1699, C replaced by T.
Protein change: p.Gln567Ter; replaces glutamine 567 with a stop codon.
Molecular consequence: nonsense.
Genome position (GRCh38, 1-based): chr2:237,381,113, G>A on the plus strand (C>T on the coding strand, the complement: COL6A3 is on the minus strand). VCF-style: chr2-237381113-G-A. GRCh37 (hg19) VCF-style: chr2-238289756-G-A.
Other names: c.478C>T, p.Gln160Ter (NM_057164.5, NM_057166.5); c.1081C>T, p.Gln361Ter (NM_057165.5, NM_057167.4); short protein forms Q567*, Q361*, Q160*.
Identifiers: ClinVar variation 569352 (VCV000569352.1), dbSNP rs1559261557, ClinGen allele CA351217225.

ClinVar aggregate classification (germline): Pathogenic (1 of 4 stars; one submission).

Conditions:
Bethlem myopathy 1A. Also called: Bethlem myopathy 1; MYOPATHY, BENIGN CONGENITAL, WITH CONTRACTURES; Bethlem Muscular Dystrophy. Identifiers: Orphanet 610, MedGen CN029274, MONDO:0024530, OMIM 158810.

Submission:

Labcorp Genetics (formerly Invitae), Labcorp
Classification: Pathogenic for Bethlem myopathy 1. Last evaluated: 2018-06-28. Review status: criteria provided, single submitter. Criteria: Invitae Variant Classification Sherloc (09022015). Collection method: clinical testing. Allele origin: germline.
Comment: This sequence change creates a premature translational stop signal (p.Gln567*) in the COL6A3 gene. It is expected to result in an absent or disrupted protein product. This variant is not present in population databases (ExAC no frequency). This variant has not been reported in the literature in individuals with COL6A3-related disease. Loss-of-function variants in COL6A3 are known to be pathogenic (PMID: 26004199). For these reasons, this variant has been classified as Pathogenic.